The following is an entry in ClinVar:

NM_207352.4(CYP4V2):c.338C>G (p.Thr113Ser)

Gene: CYP4V2 (cytochrome P450 family 4 subfamily V member 2; plus strand). Cytogenetic location: 4q35.1.
Variant type: single nucleotide variant.
Coding change: c.338C>G on transcript NM_207352.4 (MANE Select); coding-DNA position 338, C replaced by G.
Protein change: p.Thr113Ser; replaces threonine 113 with serine.
Molecular consequence: missense variant.
Genome position (GRCh38, 1-based): chr4:186,196,013, C>G. VCF-style: chr4-186196013-C-G. GRCh37 (hg19) VCF-style: chr4-187117167-C-G.
Other names: short protein forms T113S.
Identifiers: ClinVar variation 1036016 (VCV001036016.8), dbSNP rs368998803, ClinGen allele CA112122099.

ClinVar aggregate classification (germline): Uncertain significance (1 of 4 stars; one submission).

Allele frequency attached by ClinVar (database versions not stated): gnomAD exomes below 0.00001 and 0.00001; gnomAD 0.00001; TOPMed 0.00001; ESP Exome Variant Server 0.00008.
gnomAD v4.1: 9 of 1,612,782 alleles (0.00056%); highest among the groups gnomAD compares: South Asian, 0.0088%; no homozygotes.

Submission:

Labcorp Genetics (formerly Invitae), Labcorp
Classification: Uncertain significance. Last evaluated: 2020-09-02. Review status: criteria provided, single submitter. Criteria: Invitae Variant Classification Sherloc (09022015). Collection method: clinical testing. Allele origin: germline.
Comment: This sequence change replaces threonine with serine at codon 113 of the CYP4V2 protein (p.Thr113Ser). The threonine residue is weakly conserved and there is a small physicochemical difference between threonine and serine. In summary, the available evidence is currently insufficient to determine the role of this variant in disease. Therefore, it has been classified as a Variant of Uncertain Significance. Algorithms developed to predict the effect of missense changes on protein structure and function output the following: SIFT: "Tolerated"; PolyPhen-2: "Benign"; Align-GVGD: "Class C0". The serine amino acid residue is found in multiple mammalian species, suggesting that this missense change does not adversely affect protein function. These predictions have not been confirmed by published functional studies and their clinical significance is uncertain. This variant has not been reported in the literature in individuals with CYP4V2-related conditions. This variant is not present in population databases (ExAC no frequency).